The following is an entry in ClinVar:

ClinVar aggregate classification (germline): Uncertain significance (1 of 4 stars; one submission).

Conditions:
Familial adenomatous polyposis 1 (FAP1). Also called: FAMILIAL ADENOMATOUS POLYPOSIS 1, ATTENUATED; POLYPOSIS, ADENOMATOUS INTESTINAL. Identifiers: MedGen C2713442, MONDO:0021056, OMIM 175100. Disease mechanism: loss of function.

Submission:

Labcorp Genetics (formerly Invitae), Labcorp
Classification: Uncertain significance for Familial adenomatous polyposis 1. Last evaluated: 2018-10-06. Review status: criteria provided, single submitter. Criteria: Invitae Variant Classification Sherloc (09022015). Collection method: clinical testing. Allele origin: germline.
Comment: This sequence change replaces alanine with valine at codon 2103 of the APC protein (p.Ala2103Val). The alanine residue is highly conserved and there is a small physicochemical difference between alanine and valine. This variant is not present in population databases (ExAC no frequency). This variant has not been reported in the literature in individuals with APC-related disease. Algorithms developed to predict the effect of missense changes on protein structure and function are either unavailable or do not agree on the potential impact of this missense change (SIFT: "Tolerated"; PolyPhen-2: "Probably Damaging"; Align-GVGD: "Class C0"). In summary, the available evidence is currently insufficient to determine the role of this variant in disease. Therefore, it has been classified as a Variant of Uncertain Significance.

NM_000038.6(APC):c.6308C>T (p.Ala2103Val)

Gene: APC (APC regulator of Wnt signaling pathway; plus strand). Cytogenetic location: 5q22.2.
Variant type: single nucleotide variant.
Coding change: c.6308C>T on transcript NM_000038.6 (MANE Select); coding-DNA position 6308, C replaced by T.
Protein change: p.Ala2103Val; replaces alanine 2103 with valine.
Molecular consequence: missense variant.
Genome position (GRCh38, 1-based): chr5:112,841,902, C>T. VCF-style: chr5-112841902-C-T. GRCh37 (hg19) VCF-style: chr5-112177599-C-T.
Other names: c.6308C>T, p.Ala2103Val (NM_001127510.3, NM_001354895.2); c.6254C>T, p.Ala2085Val (NM_001127511.3); c.6362C>T, p.Ala2121Val (NM_001354896.2); c.6338C>T, p.Ala2113Val (NM_001354897.2); c.6233C>T, p.Ala2078Val (NM_001354898.2); c.6224C>T, p.Ala2075Val (NM_001354899.2); c.6185C>T, p.Ala2062Val (NM_001354900.2); c.6131C>T, p.Ala2044Val (NM_001354901.2); and 5 more; short protein forms A1943V, A2062V, A2075V, A2103V, A1977V, A2002V, A2012V, A2078V.
Identifiers: ClinVar variation 644386 (VCV000644386.10), dbSNP rs1580669608, ClinGen allele CA16035150.